The following is an entry in ClinVar:

ClinVar aggregate classification (germline): Benign. Review status: criteria provided, multiple submitters, no conflicts (2 of 4 stars). 2 submissions from 2 submitters: Benign (2). Last evaluated 2018-01-13.

Conditions:
Acrodysostosis 2 with or without hormone resistance. Also called: ACRODYSOSTOSIS 2 WITH HORMONE RESISTANCE; ACRODYSOSTOSIS 2 WITHOUT HORMONE RESISTANCE. Identifiers: Orphanet 280651, MedGen C3553250, MONDO:0013822, OMIM 614613.

Allele frequency attached by ClinVar (database versions not stated): 1000 Genomes Project 0.01697; 1000 Genomes Project 30x 0.01889; gnomAD 0.01979 and 0.02116; TOPMed 0.02274.

Submissions (2):

Illumina Laboratory Services, Illumina
Classification: Benign for Acrodysostosis 2 with or without hormone resistance. Last evaluated: 2018-01-13. Review status: criteria provided, single submitter. Criteria: ICSL Variant Classification Criteria 13 December 2019. Collection method: clinical testing. Allele origin: germline.
Comment: This variant was observed in the ICSL laboratory as part of a predisposition screen in an ostensibly healthy population. It had not been previously curated by ICSL or reported in the Human Gene Mutation Database (HGMD: prior to June 1st, 2018), and was therefore a candidate for classification through an automated scoring system. Utilizing variant allele frequency, disease prevalence and penetrance estimates, and inheritance mode, an automated score was calculated to assess if this variant is too frequent to cause the disease. Based on the score and internal cut-off values, a variant classified as benign is not then subjected to further curation. The score for this variant resulted in a classification of benign for this disease.

Breakthrough Genomics
Classification: Benign. Review status: criteria provided, single submitter. Criteria: ACMG Guidelines, 2015. Collection method: not provided. Allele origin: germline. Inheritance: Autosomal dominant inheritance. Affected: yes.

NM_001104631.2(PDE4D):c.*5125C>T

Gene: PDE4D (phosphodiesterase 4D; minus strand). Cytogenetic location: 5q11.2.
Variant type: single nucleotide variant.
Coding change: c.*5125C>T on transcript NM_001104631.2 (MANE Select); 5125 bases downstream of the stop codon, C replaced by T.
Molecular consequence: 3 prime UTR variant.
Genome position (GRCh38, 1-based): chr5:58,969,539, G>A on the plus strand (C>T on the coding strand, the complement: PDE4D is on the minus strand). VCF-style: chr5-58969539-G-A. GRCh37 (hg19) VCF-style: chr5-58265366-G-A.
Other names: c.*5125C>T (NM_001165899.2, NM_001197218.2, NM_001197219.2 and 11 more transcripts).
Identifiers: ClinVar variation 353913 (VCV000353913.6), dbSNP rs829257, ClinGen allele CA10620603.